The following is an entry in ClinVar:

NM_005359.6(SMAD4):c.1308+1G>T

Gene: SMAD4 (SMAD family member 4; plus strand). Cytogenetic location: 18q21.2.
Variant type: single nucleotide variant.
Coding change: c.1308+1G>T on transcript NM_005359.6 (MANE Select); the canonical splice donor site of the intron after coding-DNA position 1308, G replaced by T.
Molecular consequence: splice donor variant.
Genome position (GRCh38, 1-based): chr18:51,067,188, G>T. VCF-style: chr18-51067188-G-T. GRCh37 (hg19) VCF-style: chr18-48593558-G-T.
Other names: c.1308+1G>T (NM_001407042.1, NM_001407041.1).
Identifiers: ClinVar variation 141267 (VCV000141267.3), dbSNP rs587781618, ClinGen allele CA164956.

ClinVar aggregate classification (germline): Likely pathogenic (1 of 4 stars; one submission).

Conditions:
Hereditary cancer-predisposing syndrome. Also called: Neoplastic Syndromes, Hereditary; Tumor predisposition; Hereditary Cancer Syndrome; Hereditary neoplastic syndrome. Identifiers: Orphanet 140162, MedGen C0027672, MeSH D009386, MONDO:0015356.

Submission:

Ambry Genetics
Classification: Likely pathogenic for Hereditary cancer-predisposing syndrome. Last evaluated: 2013-09-13. Review status: criteria provided, single submitter. Criteria: Ambry Autosomal Dominant and X-Linked criteria (10/2015). Collection method: clinical testing. Allele origin: germline. Observed: 1 variant allele.
Comment: Thec.1308+1G>Tintronic variant results from a G to T substitution one nucleotide after coding exon 9 of the SMAD4 gene.This variant was not reported in population-based cohorts in the following databases: Database of Single Nucleotide Polymorphisms (dbSNP), NHLBI Exome Sequencing Project (ESP) and 1000 Genomes Project.To date, this alteration has been detected with an allele frequency of approximately 0.03% (greater than 3300 alleles tested) in our clinical cohort (includes this individual). Based on nucleotide sequence alignment, this position is highly conserved in available vertebrate species. Using the BDGP and ESEfinder splice site prediction tools, this alterationis predicted to abolish the native splice donor site; however, direct evidence is unavailable. Alterations that disrupt the canonical splice donor site are typically deleterious in nature (ACMG Recommendations for Standards for Interpretation and Reporting of Sequence Variations. Revision 2007. Genet Med. 2008;10:294). As such, thec.1308+1G>Tvariant is classified as likely pathogenic.